The following is an entry in ClinVar:

NM_001164508.2(NEB):c.955A>G (p.Met319Val)

Gene: NEB (nebulin; minus strand). Cytogenetic location: 2q23.3.
Variant type: single nucleotide variant.
Coding change: c.955A>G on transcript NM_001164508.2 (MANE Select); coding-DNA position 955, A replaced by G.
Protein change: p.Met319Val; replaces methionine 319 with valine.
Molecular consequence: missense variant.
Genome position (GRCh38, 1-based): chr2:151,709,736, T>C on the plus strand (A>G on the coding strand, the complement: NEB is on the minus strand). VCF-style: chr2-151709736-T-C. GRCh37 (hg19) VCF-style: chr2-152566250-T-C.
Other names: c.955A>G, p.Met319Val (NM_001164507.2, NM_001271208.2, NM_004543.5); short protein forms M319V.
Identifiers: ClinVar variation 969965 (VCV000969965.14), dbSNP rs1269690979, ClinGen allele CA348786218.

ClinVar aggregate classification (germline): Uncertain significance. Review status: criteria provided, multiple submitters, no conflicts (2 of 4 stars). 3 submissions from 3 submitters: Uncertain significance (2). 1 of the submissions does not count toward it. Last evaluated 2023-08-09.

Conditions:
Nemaline myopathy 2 (NEM2). Also called: Nemaline myopathy 2, autosomal recessive. Identifiers: MedGen C1850569, MONDO:0009725, OMIM 256030.

Allele frequency attached by ClinVar (database versions not stated): gnomAD exomes below 0.00001.
gnomAD v4.1: 4 of 1,604,008 alleles (0.00025%); highest among the groups gnomAD compares: Non-Finnish European, 0.00034%; no homozygotes.

Submissions (3):

Labcorp Genetics (formerly Invitae), Labcorp
Classification: Uncertain significance for Nemaline myopathy 2. Last evaluated: 2023-08-09. Review status: criteria provided, single submitter. Criteria: Invitae Variant Classification Sherloc (09022015). Collection method: clinical testing. Allele origin: germline.
Comment: In summary, the available evidence is currently insufficient to determine the role of this variant in disease. Therefore, it has been classified as a Variant of Uncertain Significance. Experimental studies and prediction algorithms are not available or were not evaluated, and the functional significance of this variant is currently unknown. ClinVar contains an entry for this variant (Variation ID: 969965). This variant has not been reported in the literature in individuals affected with NEB-related conditions. This variant is not present in population databases (gnomAD no frequency). This sequence change replaces methionine, which is neutral and non-polar, with valine, which is neutral and non-polar, at codon 319 of the NEB protein (p.Met319Val).

Revvity Omics, Revvity
Classification: Uncertain significance. Last evaluated: 2019-01-10. Review status: criteria provided, single submitter. Criteria: ACMG Guidelines, 2015. Collection method: clinical testing. Allele origin: germline.

Natera, Inc.
Classification: Uncertain significance for Nemaline myopathy type 2. Last evaluated: 2020-12-23. Review status: no assertion criteria provided. Collection method: clinical testing. Allele origin: germline. Not counted in ClinVar's aggregate classification.